The following is an entry in ClinVar:

NM_000135.4(FANCA):c.473A>C (p.His158Pro)

Gene: FANCA (FA complementation group A; minus strand). Cytogenetic location: 16q24.3.
Variant type: single nucleotide variant.
Coding change: c.473A>C on transcript NM_000135.4 (MANE Select); coding-DNA position 473, A replaced by C.
Protein change: p.His158Pro; replaces histidine 158 with proline.
Molecular consequence: missense variant. On other transcripts: intron variant (1).
Genome position (GRCh38, 1-based): chr16:89,810,756, T>G on the plus strand (A>C on the coding strand, the complement: FANCA is on the minus strand). VCF-style: chr16-89810756-T-G. GRCh37 (hg19) VCF-style: chr16-89877164-T-G.
Other names: c.473A>C, p.His158Pro (NM_001018112.3, NM_001286167.3); c.426+173A>C (NM_001351830.2); short protein forms H158P.
Identifiers: ClinVar variation 4870927 (VCV004870927.1).
Genomic context (GRCh38, chr16:89,810,756, plus strand): 5'-CTCAAATTTACCTGTATTTTCCATAATTCTTGACAGAAGGAAAGACGGGAGAACATACTG[T>G]GTGCCAATAAATACTGAGCAAACTCTAACAGGGAAGACAGCTTCTTCTGAAAAGAGAGAT-3'
Protein context (NP_000126.2, residues 148-168): LLEFAQYLLA[His158Pro]SMFSRLSFCQ

ClinVar aggregate classification (germline): Uncertain significance (1 of 4 stars; one submission).

Conditions:
Inborn genetic diseases. Identifiers: MedGen C0950123, MeSH D030342.

gnomAD v4.1: 2 of 1,613,650 alleles (0.00012%); highest among the groups gnomAD compares: Non-Finnish European, 0.00017%; 1 homozygote.

Submission:

Ambry Genetics
Classification: Uncertain significance for Inborn genetic diseases. Last evaluated: 2026-06-14. Review status: criteria provided, single submitter. Criteria: Ambry Variant Classification Scheme 2023. Collection method: clinical testing. Allele origin: germline.
Comment: The p.H158P variant (also known as c.473A>C), located in coding exon 5 of the FANCA gene, results from an A to C substitution at nucleotide position 473. The histidine at codon 158 is replaced by proline, an amino acid with similar properties. This amino acid position is conserved. In addition, this alteration is predicted to be tolerated by in silico analysis. Based on the available evidence, the clinical significance of this variant remains unclear.